The following is an entry in ClinVar:

NM_006147.4(IRF6):c.242C>A (p.Ala81Asp)

Gene: IRF6 (interferon regulatory factor 6; minus strand). Cytogenetic location: 1q32.2.
Variant type: single nucleotide variant.
Coding change: c.242C>A on transcript NM_006147.4 (MANE Select); coding-DNA position 242, C replaced by A.
Protein change: p.Ala81Asp; replaces alanine 81 with aspartic acid.
Molecular consequence: missense variant. On other transcripts: 5 prime UTR variant (1).
Genome position (GRCh38, 1-based): chr1:209,796,485, G>T on the plus strand (C>A on the coding strand, the complement: IRF6 is on the minus strand). VCF-style: chr1-209796485-G-T. GRCh37 (hg19) VCF-style: chr1-209969830-G-T.
Other names: c.-44C>A (NM_001206696.2); short protein forms A81D.
Identifiers: ClinVar variation 464463 (VCV000464463.1), dbSNP rs1553248270, ClinGen allele CA344583379.

ClinVar aggregate classification (germline): Uncertain significance (1 of 4 stars; one submission).

Conditions:
Popliteal pterygium syndrome (PPS). Identifiers: Orphanet 294963, MedGen C0265259, MONDO:0017435.
Orofacial cleft 6, susceptibility to (OFC6). Also called: CLEFT LIP WITH OR WITHOUT CLEFT PALATE, NONSYNDROMIC, 6. Identifiers: MedGen C1837213, MONDO:0012141, OMIM 608864.
Van der Woude syndrome 1. Also called: CLEFT LIP AND/OR PALATE WITH MUCOUS CYSTS OF LOWER LIP; van der Woude Syndrome (VWS). Identifiers: MedGen C4551864, MONDO:0007333, OMIM 119300.

Submission:

Labcorp Genetics (formerly Invitae), Labcorp
Classification: Uncertain significance for Orofacial cleft 6, susceptibility to; Van der Woude syndrome; Popliteal pterygium syndrome. Last evaluated: 2017-07-20. Review status: criteria provided, single submitter. Criteria: Invitae Variant Classification Sherloc (09022015). Collection method: clinical testing. Allele origin: germline.
Comment: This sequence change replaces alanine with aspartic acid at codon 81 of the IRF6 protein (p.Ala81Asp). The alanine residue is highly conserved and there is a moderate physicochemical difference between alanine and aspartic acid. This variant is not present in population databases (ExAC no frequency) and has not been reported in the literature in individuals with a IRF6-related disease. Algorithms developed to predict the effect of missense changes on protein structure and function (SIFT, PolyPhen-2, Align-GVGD) all suggest that this variant is likely to be disruptive, but these predictions have not been confirmed by published functional studies. In summary, this variant is a novel missense change with uncertain impact on protein function. It has been classified as a Variant of Uncertain Significance.